The following is an entry in ClinVar:

NM_018897.3(DNAH7):c.9888+1G>A

Gene: DNAH7 (dynein axonemal heavy chain 7; minus strand). Cytogenetic location: 2q32.3.
Variant type: single nucleotide variant.
Coding change: c.9888+1G>A on transcript NM_018897.3 (MANE Select); the canonical splice donor site of the intron after coding-DNA position 9888, G replaced by A.
Molecular consequence: splice donor variant.
Genome position (GRCh38, 1-based): chr2:195,809,744, C>T on the plus strand (G>A on the coding strand, the complement: DNAH7 is on the minus strand). VCF-style: chr2-195809744-C-T. GRCh37 (hg19) VCF-style: chr2-196674468-C-T.
Identifiers: ClinVar variation 3064757 (VCV003064757.1), dbSNP rs2469365553, ClinGen allele CA349947716.

ClinVar aggregate classification (germline): no classifications from unflagged records (0 of 4 stars; one submission).

Conditions:
Ciliary dyskinesia, primary, 50 (CILD50). Identifiers: MedGen C5830473, MONDO:0957252, OMIM 620356.

Submission:

Genomic Medicine Center of Excellence, King Faisal Specialist Hospital and Research Centre
Classification: Likely pathogenic for Ciliary dyskinesia, primary, 50. Last evaluated: 2024-03-29. Review status: flagged submission. Criteria: ACMG Guidelines, 2015. Collection method: clinical testing. Allele origin: germline.
ClinVar note: Notes: Flagging candidate with reason of insufficient supporting evidence. This gene has been classified as having a limited gene-disease relationship by a ClinGen Expert Panel.
ClinVar note: Reason: P/LP classification for a variant in a gene with insufficient evidence for a gene-disease relationship